The following is an entry in ClinVar:

NM_000548.5(TSC2):c.618C>A (p.Cys206Ter)

Gene: TSC2 (TSC complex subunit 2; plus strand). Cytogenetic location: 16p13.3.
Variant type: single nucleotide variant.
Coding change: c.618C>A on transcript NM_000548.5 (MANE Select); coding-DNA position 618, C replaced by A.
Protein change: p.Cys206Ter; replaces cysteine 206 with a stop codon.
Molecular consequence: nonsense.
Genome position (GRCh38, 1-based): chr16:2,056,214, C>A. VCF-style: chr16-2056214-C-A. GRCh37 (hg19) VCF-style: chr16-2106215-C-A.
Other names: c.651C>A, p.Cys217Ter (NM_001318832.2); c.618C>A, p.Cys206Ter (NM_001363528.2, NM_001370404.1, NM_001370405.1 and 3 more transcripts); c.18C>A, p.Cys6Ter (NM_001318831.2); c.507C>A, p.Cys169Ter (NM_001318827.2); c.471C>A, p.Cys157Ter (NM_001318829.2); short protein forms C206*, C217*, C169*, C6*, C157*.
Identifiers: ClinVar variation 49883 (VCV000049883.3), dbSNP rs45498496, ClinGen allele CA022690.

ClinVar aggregate classification (germline): Pathogenic. Review status: criteria provided, single submitter (1 of 4 stars). 2 submissions from 2 submitters: Pathogenic (1). 1 of the submissions does not count toward it. Last evaluated 2025-06-04.

Conditions:
Tuberous sclerosis syndrome (TSC). Also called: Tuberous Sclerosis Complex; Tuberous sclerosis. Identifiers: Orphanet 805, MedGen C0041341, MONDO:0001734.

Submissions (2):

Cambridge Genomics Laboratory, East Genomic Laboratory Hub, NHS Genomic Medicine Service
Classification: Pathogenic for Tuberous sclerosis. Last evaluated: 2025-06-04. Review status: criteria provided, single submitter. Criteria: ACGS Best Practice Guidelines for Variant Classification in Rare Disease 2020. Collection method: clinical testing. Allele origin: germline. Affected: yes.
Comment: PVS1,PS4_Supporting,PM2

Tuberous sclerosis database (TSC2)
No classification provided. Condition: TSC. Review status: no classification provided. Criteria: Tuberous Sclerosis Database Assertion Criteria 2015. Collection method: curation. Allele origin: germline. Affected: yes. Not counted in ClinVar's aggregate classification.